The following is an entry in ClinVar:

ClinVar aggregate classification (germline): Likely benign (1 of 4 stars; one submission).

Conditions:
GRIN2D-related disorder. Also called: GRIN2D-related condition.

Submission:

PreventionGenetics, part of Exact Sciences
Classification: Likely benign for GRIN2D-related condition. Last evaluated: 2024-11-25. Review status: criteria provided, single submitter. Criteria: ACMG Guidelines, 2015. Collection method: clinical testing. Allele origin: germline.
Comment: This variant is classified as likely benign based on ACMG/AMP sequence variant interpretation guidelines (Richards et al. 2015 PMID: 25741868, with internal and published modifications).

NM_000836.4(GRIN2D):c.3261A>G (p.Gly1087=)

Gene: GRIN2D (glutamate ionotropic receptor NMDA type subunit 2D; plus strand). Cytogenetic location: 19q13.33.
Variant type: single nucleotide variant.
Coding change: c.3261A>G on transcript NM_000836.4 (MANE Select); coding-DNA position 3261, A replaced by G.
Protein change: p.Gly1087=; no amino-acid change (glycine 1087 retained).
Molecular consequence: synonymous variant.
Genome position (GRCh38, 1-based): chr19:48,443,187, A>G. VCF-style: chr19-48443187-A-G. GRCh37 (hg19) VCF-style: chr19-48946444-A-G.
Identifiers: ClinVar variation 4984503 (VCV004984503.1).